The following is an entry in ClinVar:

NM_017866.6(TMEM70):c.211-275A>G

Gene: TMEM70 (transmembrane protein 70; plus strand). Cytogenetic location: 8q21.11.
Variant type: single nucleotide variant.
Coding change: c.211-275A>G on transcript NM_017866.6 (MANE Select); 275 bases into the intron before coding-DNA position 211, A replaced by G.
Molecular consequence: intron variant.
Genome position (GRCh38, 1-based): chr8:73,978,481, A>G. VCF-style: chr8-73978481-A-G. GRCh37 (hg19) VCF-style: chr8-74890716-A-G.
Other names: c.211-275A>G (NM_001040613.3).
Identifiers: ClinVar variation 674053 (VCV000674053.1), dbSNP rs113991693, ClinGen allele CA179290726.

ClinVar aggregate classification (germline): Likely benign (1 of 4 stars; one submission).

Allele frequency attached by ClinVar (database versions not stated): TOPMed 0.01792; gnomAD 0.02061 and 0.02121; 1000 Genomes Project 30x 0.02186; 1000 Genomes Project 0.02276.
gnomAD v4.1: 3,144 of 148,944 alleles (2.1%); highest among the groups gnomAD compares: South Asian, 3.7%; 35 homozygotes.

Submission:

GeneDx
Classification: Likely benign. Last evaluated: 2018-06-14. Review status: criteria provided, single submitter. Criteria: GeneDx Variant Classification (06012015). Collection method: clinical testing. Allele origin: germline. Affected: yes.
Comment: This variant is considered likely benign or benign based on one or more of the following criteria: it is a conservative change, it occurs at a poorly conserved position in the protein, it is predicted to be benign by multiple in silico algorithms, and/or has population frequency not consistent with disease.